The following is an entry in ClinVar:

NM_006939.4(SOS2):c.2296C>T (p.Pro766Ser)

Gene: SOS2 (SOS Ras/Rho guanine nucleotide exchange factor 2; minus strand). Cytogenetic location: 14q21.3.
Variant type: single nucleotide variant.
Coding change: c.2296C>T on transcript NM_006939.4 (MANE Select); coding-DNA position 2296, C replaced by T.
Protein change: p.Pro766Ser; replaces proline 766 with serine.
Molecular consequence: missense variant.
Genome position (GRCh38, 1-based): chr14:50,150,096, G>A on the plus strand (C>T on the coding strand, the complement: SOS2 is on the minus strand). VCF-style: chr14-50150096-G-A. GRCh37 (hg19) VCF-style: chr14-50616814-G-A.
Other names: c.2197C>T, p.Pro733Ser (NM_001411020.1); short protein forms P733S, P766S.
Identifiers: ClinVar variation 4765912 (VCV004765912.1).

ClinVar aggregate classification (germline): Uncertain significance (1 of 4 stars; one submission).

Conditions:
Noonan syndrome 9 (NS9). Identifiers: Orphanet 648, MedGen C4225282, MONDO:0014691, OMIM 616559.

Submission:

Labcorp Genetics (formerly Invitae), Labcorp
Classification: Uncertain significance for Noonan syndrome 9. Last evaluated: 2025-05-11. Review status: criteria provided, single submitter. Criteria: Invitae Variant Classification Sherloc (09022015). Collection method: clinical testing. Allele origin: germline.
Comment: This sequence change replaces proline, which is neutral and non-polar, with serine, which is neutral and polar, at codon 766 of the SOS2 protein (p.Pro766Ser). This variant is not present in population databases (gnomAD no frequency). This variant has not been reported in the literature in individuals affected with SOS2-related conditions. Invitae Evidence Modeling of protein sequence and biophysical properties (such as structural, functional, and spatial information, amino acid conservation, physicochemical variation, residue mobility, and thermodynamic stability) indicates that this missense variant is not expected to disrupt SOS2 protein function with a negative predictive value of 95%. In summary, the available evidence is currently insufficient to determine the role of this variant in disease. Therefore, it has been classified as a Variant of Uncertain Significance.